The following is an entry in ClinVar:

ClinVar aggregate classification (germline): Uncertain significance (1 of 4 stars; one submission).

Submission:

Dasa
Classification: Uncertain significance. Last evaluated: 2024-05-29. Review status: criteria provided, single submitter. Criteria: DASA Assertion Criteria. Collection method: clinical testing. Allele origin: germline.
Comment: NM_006013.5(RPL10):c.499A>G (p.Ile167Val) is a missense variant that results in the substitution of isoleucine with valine. This variant is rare in population databases. Computational prediction algorithms are consistent with a benign effect. The currently available literature and clinical evidence are not sufficient to establish a definitive association between this variant and the reported condition. Therefore, this variant is classified as a variant of uncertain significance.

NM_006013.5(RPL10):c.499A>G (p.Ile167Val)

Gene: RPL10 (ribosomal protein L10; plus strand). Cytogenetic location: Xq28.
Variant type: single nucleotide variant.
Coding change: c.499A>G on transcript NM_006013.5 (MANE Select); coding-DNA position 499, A replaced by G.
Protein change: p.Ile167Val; replaces isoleucine 167 with valine.
Molecular consequence: missense variant. On other transcripts: synonymous variant (1), 3 prime UTR variant (1).
Genome position (GRCh38, 1-based): chrX:154,400,708, A>G. VCF-style: chrX-154400708-A-G. GRCh37 (hg19) VCF-style: chrX-153629049-A-G.
Other names: c.336A>G, p.Thr112= (NM_001256577.2); c.391A>G, p.Ile131Val (NM_001256580.2); c.499A>G, p.Ile167Val (NM_001303624.2, NM_001303625.1); c.*50A>G (NM_001303626.1); short protein forms I131V, I167V.
Identifiers: ClinVar variation 4882357 (VCV004882357.2).
Genomic context (GRCh38, chrX:154,400,708, plus strand): 5'-TTCTCCCACCTTTGCCCCAGGCCTCCTGACTCAGTTCTTTCCATTGCTCCTTAGATCCAC[A>G]TCTCAAAGAAGTGGGGCTTCACCAAGTTCAATGCTGATGAATTTGAAGACATGGTGGCTG-3'
Protein context (NP_006004.3, residues 157-177): FKFPGRQKIH[Ile167Val]SKKWGFTKFN